The following is an entry in ClinVar:

NM_004366.6(CLCN2):c.678T>G (p.Phe226Leu)

Gene: CLCN2 (chloride voltage-gated channel 2; minus strand). Cytogenetic location: 3q27.1.
Variant type: single nucleotide variant.
Coding change: c.678T>G on transcript NM_004366.6 (MANE Select); coding-DNA position 678, T replaced by G.
Protein change: p.Phe226Leu; replaces phenylalanine 226 with leucine.
Molecular consequence: missense variant.
Genome position (GRCh38, 1-based): chr3:184,357,794, A>C on the plus strand (T>G on the coding strand, the complement: CLCN2 is on the minus strand). VCF-style: chr3-184357794-A-C. GRCh37 (hg19) VCF-style: chr3-184075582-A-C.
Other names: c.678T>G, p.Phe226Leu (NM_001171087.3, NM_001171089.3); c.546T>G, p.Phe182Leu (NM_001171088.3); short protein forms F226L, F182L.
Identifiers: ClinVar variation 2061421 (VCV002061421.4), dbSNP rs1288360887, ClinGen allele CA355456159.

ClinVar aggregate classification (germline): Uncertain significance (1 of 4 stars; one submission).

Allele frequency attached by ClinVar (database versions not stated): TOPMed below 0.00001; gnomAD 0.00001.

Submission:

Labcorp Genetics (formerly Invitae), Labcorp
Classification: Uncertain significance. Last evaluated: 2025-11-03. Review status: criteria provided, single submitter. Criteria: Invitae Variant Classification Sherloc (09022015). Collection method: clinical testing. Allele origin: germline.
Comment: This sequence change replaces phenylalanine, which is neutral and non-polar, with leucine, which is neutral and non-polar, at codon 226 of the CLCN2 protein (p.Phe226Leu). This variant is not present in population databases (gnomAD no frequency). This variant has not been reported in the literature in individuals affected with CLCN2-related conditions. ClinVar contains an entry for this variant (Variation ID: 2061421). Invitae Evidence Modeling of protein sequence and biophysical properties (such as structural, functional, and spatial information, amino acid conservation, physicochemical variation, residue mobility, and thermodynamic stability) indicates that this missense variant is expected to disrupt CLCN2 protein function with a positive predictive value of 80%. In summary, the available evidence is currently insufficient to determine the role of this variant in disease. Therefore, it has been classified as a Variant of Uncertain Significance.